The following is an entry in ClinVar:

NM_020821.3(VPS13C):c.8071C>G (p.His2691Asp)

Gene: VPS13C (vacuolar protein sorting 13 homolog C; minus strand). Cytogenetic location: 15q22.2.
Variant type: single nucleotide variant.
Coding change: c.8071C>G on transcript NM_020821.3 (MANE Select); coding-DNA position 8071, C replaced by G.
Protein change: p.His2691Asp; replaces histidine 2691 with aspartic acid.
Molecular consequence: missense variant.
Genome position (GRCh38, 1-based): chr15:61,916,007, G>C on the plus strand (C>G on the coding strand, the complement: VPS13C is on the minus strand). VCF-style: chr15-61916007-G-C. GRCh37 (hg19) VCF-style: chr15-62208206-G-C.
Other names: c.8071C>G, p.His2691Asp (NM_001018088.3); c.7942C>G, p.His2648Asp (NM_017684.5, NM_018080.4); short protein forms H2648D, H2691D.
Identifiers: ClinVar variation 1427170 (VCV001427170.32), dbSNP rs139139141, ClinGen allele CA7595081.

ClinVar aggregate classification (germline): Uncertain significance. Review status: criteria provided, multiple submitters, no conflicts (2 of 4 stars). 2 submissions from 2 submitters: Uncertain significance (2). Last evaluated 2024-01-11.

Allele frequency attached by ClinVar (database versions not stated): ExAC 0.00006; gnomAD 0.00008 and 0.00009; gnomAD exomes 0.00009 and 0.00010; TOPMed 0.00009; ESP Exome Variant Server 0.00015; 1000 Genomes Project 0.00020; 1000 Genomes Project 30x 0.00031.
gnomAD v4.1: 151 of 1,580,744 alleles (0.0096%); highest among the groups gnomAD compares: Non-Finnish European, 0.012%; no homozygotes.

Submissions (2):

Labcorp Genetics (formerly Invitae), Labcorp
Classification: Uncertain significance. Last evaluated: 2024-01-11. Review status: criteria provided, single submitter. Criteria: Invitae Variant Classification Sherloc (09022015). Collection method: clinical testing. Allele origin: germline.
Comment: This sequence change replaces histidine, which is basic and polar, with aspartic acid, which is acidic and polar, at codon 2691 of the VPS13C protein (p.His2691Asp). This variant is present in population databases (rs139139141, gnomAD 0.02%). This variant has not been reported in the literature in individuals affected with VPS13C-related conditions. ClinVar contains an entry for this variant (Variation ID: 1427170). Advanced modeling of protein sequence and biophysical properties (such as structural, functional, and spatial information, amino acid conservation, physicochemical variation, residue mobility, and thermodynamic stability) has been performed at Invitae for this missense variant, however the output from this modeling did not meet the statistical confidence thresholds required to predict the impact of this variant on VPS13C protein function. In summary, the available evidence is currently insufficient to determine the role of this variant in disease. Therefore, it has been classified as a Variant of Uncertain Significance.

CeGaT Center for Human Genetics Tuebingen
Classification: Uncertain significance. Last evaluated: 2023-03-01. Review status: criteria provided, single submitter. Criteria: CeGaT Center For Human Genetics Tuebingen Variant Classification Criteria Version 2. Collection method: clinical testing. Allele origin: germline. Affected: yes. Observed: 1 variant allele.
Comment: VPS13C: PM2, BP4